The following is an entry in ClinVar:

NM_139076.3(ABRAXAS1):c.284A>G (p.Asn95Ser)

Gene: ABRAXAS1 (abraxas 1, BRCA1 A complex subunit; minus strand). Cytogenetic location: 4q21.23.
Variant type: single nucleotide variant.
Coding change: c.284A>G on transcript NM_139076.3 (MANE Select); coding-DNA position 284, A replaced by G.
Protein change: p.Asn95Ser; replaces asparagine 95 with serine.
Molecular consequence: missense variant. On other transcripts: 5 prime UTR variant (1).
Genome position (GRCh38, 1-based): chr4:83,470,395, T>C on the plus strand (A>G on the coding strand, the complement: ABRAXAS1 is on the minus strand). VCF-style: chr4-83470395-T-C. GRCh37 (hg19) VCF-style: chr4-84391548-T-C.
Other names: c.-44A>G (NM_001345962.2); short protein forms N95S.
Identifiers: ClinVar variation 3448466 (VCV003448466.1).
Genomic context (GRCh38, chr4:83,470,395, plus strand): 5'-CTCTCTCTAAACGTCATGATCTGATCTGAATGACGACGGAATTTGTACCAACCTACCACA[T>C]TCTGAAATACAGAATAAAAAGGATATACATCTTAATAGTTACAATGATATGTCTTACTAT-3'
Protein context (NP_620775.2, residues 85-105): LKKILSNVKK[Asn95Ser]VVGWYKFRRH

ClinVar aggregate classification (germline): Uncertain significance (1 of 4 stars; one submission).

gnomAD v4.1: 1 of 1,608,772 alleles (0.000062%); highest among the groups gnomAD compares: Non-Finnish European, 0.000085%; no homozygotes.

Submission:

Ambry Genetics
Classification: Uncertain significance. Last evaluated: 2024-11-06. Review status: criteria provided, single submitter. Criteria: Ambry Variant Classification Scheme 2023. Collection method: clinical testing. Allele origin: germline.
Comment: The p.N95S variant (also known as c.284A>G), located in coding exon 5 of the FAM175A gene, results from an A to G substitution at nucleotide position 284. The asparagine at codon 95 is replaced by serine, an amino acid with highly similar properties. This amino acid position is conserved. In addition, this alteration is predicted to be tolerated by in silico analysis. Based on the available evidence, the clinical significance of this variant remains unclear.